The following is an entry in ClinVar:

ClinVar aggregate classification (germline): Uncertain significance. Review status: criteria provided, multiple submitters, no conflicts (2 of 4 stars). 3 submissions from 3 submitters: Uncertain significance (2). 1 of the submissions does not count toward it. Last evaluated 2024-02-08.

Conditions:
Mucopolysaccharidosis type 1. Also called: IDUA deficiency; MPS I. Identifiers: Orphanet 579, MedGen C0023786, MONDO:0001586.

Allele frequency attached by ClinVar (database versions not stated): gnomAD exomes below 0.00001; TOPMed below 0.00001; gnomAD 0.00001.
gnomAD v4.1: 2 of 1,598,818 alleles (0.00013%); highest among the groups gnomAD compares: Admixed American, 0.0017%; no homozygotes.

Submissions (3):

Labcorp Genetics (formerly Invitae), Labcorp
Classification: Uncertain significance for Mucopolysaccharidosis type 1. Last evaluated: 2024-02-08. Review status: criteria provided, single submitter. Criteria: Invitae Variant Classification Sherloc (09022015). Collection method: clinical testing. Allele origin: germline.
Comment: This sequence change replaces arginine, which is basic and polar, with tryptophan, which is neutral and slightly polar, at codon 217 of the IDUA protein (p.Arg217Trp). The frequency data for this variant in the population databases is considered unreliable, as metrics indicate poor data quality at this position in the gnomAD database. This variant has not been reported in the literature in individuals affected with IDUA-related conditions. ClinVar contains an entry for this variant (Variation ID: 849186). Advanced modeling of protein sequence and biophysical properties (such as structural, functional, and spatial information, amino acid conservation, physicochemical variation, residue mobility, and thermodynamic stability) has been performed at Invitae for this missense variant, however the output from this modeling did not meet the statistical confidence thresholds required to predict the impact of this variant on IDUA protein function. In summary, the available evidence is currently insufficient to determine the role of this variant in disease. Therefore, it has been classified as a Variant of Uncertain Significance.

Revvity Omics, Revvity
Classification: Uncertain significance. Last evaluated: 2023-02-27. Review status: criteria provided, single submitter. Criteria: ACMG Guidelines, 2015. Collection method: clinical testing. Allele origin: germline.

Natera, Inc.
Classification: Uncertain significance for Mucopolysaccharidosis type I. Last evaluated: 2020-09-16. Review status: no assertion criteria provided. Collection method: clinical testing. Allele origin: germline. Not counted in ClinVar's aggregate classification.

NM_000203.5(IDUA):c.649C>T (p.Arg217Trp)

Gene: IDUA (alpha-L-iduronidase; plus strand). Cytogenetic location: 4p16.3.
Variant type: single nucleotide variant.
Coding change: c.649C>T on transcript NM_000203.5 (MANE Select); coding-DNA position 649, C replaced by T.
Protein change: p.Arg217Trp; replaces arginine 217 with tryptophan.
Molecular consequence: missense variant. On other transcripts: non-coding transcript variant (1).
Genome position (GRCh38, 1-based): chr4:1,001,738, C>T. VCF-style: chr4-1001738-C-T. GRCh37 (hg19) VCF-style: chr4-995526-C-T.
Other names: c.253C>T, p.Arg85Trp (NM_001363576.1); short protein forms R217W, R85W.
Identifiers: ClinVar variation 849186 (VCV000849186.8), dbSNP rs1178237301, ClinGen allele CA355961995.